The following is an entry in ClinVar:

ClinVar aggregate classification (germline): Uncertain significance (1 of 4 stars; one submission).

Conditions:
Familial thoracic aortic aneurysm and aortic dissection (TAAD). Also called: Thoracic aortic aneurysms and dissections. Identifiers: Orphanet 91387, MedGen C4707243, MONDO:0019625.

Submission:

Ambry Genetics
Classification: Uncertain significance for Familial thoracic aortic aneurysm and aortic dissection. Last evaluated: 2015-04-21. Review status: criteria provided, single submitter. Criteria: Ambry Variant Classification Scheme 2023. Collection method: clinical testing. Allele origin: germline.
Comment: Based on insufficient or conflicting evidence, the clinical significance of this alteration remains unclear.

NM_005902.4(SMAD3):c.871+22_871+23insCCCCCCCCCCCCCCCC

Gene: SMAD3 (SMAD family member 3; plus strand). Cytogenetic location: 15q22.33.
Variant type: Insertion.
Coding change: c.871+22_871+23insCCCCCCCCCCCCCCCC on transcript NM_005902.4 (MANE Select); bases 22 to 23 of the intron after coding-DNA position 871, CCCCCCCCCCCCCCCC inserted.
Molecular consequence: intron variant.
Genome position: GRCh38 VCF-style: chr15-67181471-T-TCCCCCCCCCCCCCCCC. GRCh37 (hg19) VCF-style: chr15-67473809-T-TCCCCCCCCCCCCCCCC.
Other names: c.871+22_871+23insCCCCCCCCCCCCCCCC (NM_001407011.1, NM_001407013.1); c.739+22_739+23insCCCCCCCCCCCCCCCC (NM_001407012.1, NM_001145103.2); c.724+22_724+23insCCCCCCCCCCCCCCCC (NM_001407014.1); c.556+22_556+23insCCCCCCCCCCCCCCCC (NM_001145102.2, NM_001407016.1); c.424+22_424+23insCCCCCCCCCCCCCCCC (NM_001407015.1); c.286+22_286+23insCCCCCCCCCCCCCCCC (NM_001145104.2, NM_001407017.1).
Identifiers: ClinVar variation 3076190 (VCV003076190.1), dbSNP rs1555413603, ClinGen allele CA618687743.